The following is an entry in ClinVar:

ClinVar aggregate classification (germline): Uncertain significance. Review status: criteria provided, multiple submitters, no conflicts (2 of 4 stars). 3 submissions from 3 submitters: Uncertain significance (3). Last evaluated 2025-08-26.

Conditions:
Cataract 20 multiple types (CTRCT20). Also called: Membranous cataract. Identifiers: Orphanet 91492, MedGen C0524524, MONDO:0007284, OMIM 116100, HP:0010922.
Inborn genetic diseases. Identifiers: MedGen C0950123, MeSH D030342.

Allele frequency attached by ClinVar (database versions not stated): ExAC 0.00002; gnomAD exomes 0.00003; TOPMed 0.00003; gnomAD 0.00004 and 0.00005; 1000 Genomes Project 0.00020; 1000 Genomes Project 30x 0.00031.
gnomAD v4.1: 19 of 1,614,054 alleles (0.0012%); highest among the groups gnomAD compares: East Asian, 0.0089%; no homozygotes.

Submissions (3):

Ambry Genetics
Classification: Uncertain significance for Inborn genetic diseases. Last evaluated: 2025-08-26. Review status: criteria provided, single submitter. Criteria: Ambry Variant Classification Scheme 2023. Collection method: clinical testing. Allele origin: germline.

Fulgent Genetics
Classification: Uncertain significance for Cataract 20 multiple types. Last evaluated: 2021-08-09. Review status: criteria provided, single submitter. Criteria: ACMG Guidelines, 2015. Collection method: clinical testing. Allele origin: unknown.

Labcorp Genetics (formerly Invitae), Labcorp
Classification: Uncertain significance for Cataract 20 multiple types. Last evaluated: 2019-04-16. Review status: criteria provided, single submitter. Criteria: Invitae Variant Classification Sherloc (09022015). Collection method: clinical testing. Allele origin: germline.
Comment: This sequence change replaces glutamic acid with alanine at codon 100 of the CRYGS protein (p.Glu100Ala). The glutamic acid residue is highly conserved and there is a moderate physicochemical difference between glutamic acid and alanine. This variant is present in population databases (rs375632598, ExAC 0.01%). This variant has not been reported in the literature in individuals with CRYGS-related conditions. Algorithms developed to predict the effect of missense changes on protein structure and function (SIFT, PolyPhen-2, Align-GVGD) all suggest that this variant is likely to be disruptive, but these predictions have not been confirmed by published functional studies and their clinical significance is uncertain. In summary, the available evidence is currently insufficient to determine the role of this variant in disease. Therefore, it has been classified as a Variant of Uncertain Significance.

NM_017541.4(CRYGS):c.299A>C (p.Glu100Ala)

Gene: CRYGS (crystallin gamma S; minus strand). Cytogenetic location: 3q27.3.
Variant type: single nucleotide variant.
Coding change: c.299A>C on transcript NM_017541.4 (MANE Select); coding-DNA position 299, A replaced by C.
Protein change: p.Glu100Ala; replaces glutamic acid 100 with alanine.
Molecular consequence: missense variant.
Genome position (GRCh38, 1-based): chr3:186,538,934, T>G on the plus strand (A>C on the coding strand, the complement: CRYGS is on the minus strand). VCF-style: chr3-186538934-T-G. GRCh37 (hg19) VCF-style: chr3-186256723-T-G.
Other names: short protein forms E100A.
Identifiers: ClinVar variation 851976 (VCV000851976.10), dbSNP rs375632598, ClinGen allele CA2743869.